The following is an entry in ClinVar:

NM_016284.5(CNOT1):c.6429C>T (p.Pro2143=)

Gene: CNOT1 (CCR4-NOT transcription complex subunit 1; minus strand). Cytogenetic location: 16q21.
Variant type: single nucleotide variant.
Coding change: c.6429C>T on transcript NM_016284.5 (MANE Select); coding-DNA position 6429, C replaced by T.
Protein change: p.Pro2143=; no amino-acid change (proline 2143 retained).
Molecular consequence: synonymous variant. On other transcripts: non-coding transcript variant (1).
Genome position (GRCh38, 1-based): chr16:58,528,499, G>A on the plus strand (C>T on the coding strand, the complement: CNOT1 is on the minus strand). VCF-style: chr16-58528499-G-A. GRCh37 (hg19) VCF-style: chr16-58562403-G-A.
Other names: c.6414C>T, p.Pro2138= (NM_001265612.2).
Identifiers: ClinVar variation 2646572 (VCV002646572.27), dbSNP rs377330465, ClinGen allele CA8088710.

ClinVar aggregate classification (germline): Likely benign. Review status: criteria provided, multiple submitters, no conflicts (2 of 4 stars). 2 submissions from 2 submitters: Likely benign (2). Last evaluated 2025-08-11.

Allele frequency attached by ClinVar (database versions not stated): gnomAD 0.00008; ESP Exome Variant Server 0.00031.
gnomAD v4.1: 110 of 1,613,210 alleles (0.0068%); highest among the groups gnomAD compares: African/African-American, 0.016%; no homozygotes.

Submissions (2):

Labcorp Genetics (formerly Invitae), Labcorp
Classification: Likely benign. Last evaluated: 2025-08-11. Review status: criteria provided, single submitter. Criteria: Invitae Variant Classification Sherloc (09022015). Collection method: clinical testing. Allele origin: germline.

CeGaT Center for Human Genetics Tuebingen
Classification: Likely benign. Last evaluated: 2023-02-01. Review status: criteria provided, single submitter. Criteria: CeGaT Center For Human Genetics Tuebingen Variant Classification Criteria Version 2. Collection method: clinical testing. Allele origin: germline. Affected: yes. Observed: 1 variant allele.
Comment: CNOT1: BP4, BP7